The following is an entry in ClinVar:

ClinVar aggregate classification (germline): Uncertain significance. Review status: criteria provided, multiple submitters, no conflicts (2 of 4 stars). 2 submissions from 2 submitters: Uncertain significance (2). Last evaluated 2023-10-03.

Conditions:
Inborn genetic diseases. Identifiers: MedGen C0950123, MeSH D030342.
Pitt-Hopkins-like syndrome 2 (PTHSL2). Identifiers: Orphanet 221150, Orphanet 600663, MedGen C3280479, MONDO:0013690, OMIM 614325.

Allele frequency attached by ClinVar (database versions not stated): TOPMed below 0.00001; gnomAD 0.00001.
gnomAD v4.1: 8 of 1,469,816 alleles (0.00054%); highest among the groups gnomAD compares: African/African-American, 0.0014%; no homozygotes.

Submissions (2):

Labcorp Genetics (formerly Invitae), Labcorp
Classification: Uncertain significance for Pitt-Hopkins-like syndrome 2. Last evaluated: 2023-10-03. Review status: criteria provided, single submitter. Criteria: Invitae Variant Classification Sherloc (09022015). Collection method: clinical testing. Allele origin: germline.
Comment: This sequence change replaces phenylalanine, which is neutral and non-polar, with cysteine, which is neutral and slightly polar, at codon 12 of the NRXN1 protein (p.Phe12Cys). This variant is not present in population databases (gnomAD no frequency). This variant has not been reported in the literature in individuals affected with NRXN1-related conditions. ClinVar contains an entry for this variant (Variation ID: 575996). Algorithms developed to predict the effect of missense changes on protein structure and function output the following: SIFT: "Not Available"; PolyPhen-2: "Benign"; Align-GVGD: "Not Available". The cysteine amino acid residue is found in multiple mammalian species, which suggests that this missense change does not adversely affect protein function. In summary, the available evidence is currently insufficient to determine the role of this variant in disease. Therefore, it has been classified as a Variant of Uncertain Significance.

Ambry Genetics
Classification: Uncertain significance for Inborn genetic diseases. Last evaluated: 2016-11-03. Review status: criteria provided, single submitter. Criteria: Ambry Variant Classification Scheme 2023. Collection method: clinical testing. Allele origin: germline.
Comment: The p.F12C variant (also known as c.35T>G), located in coding exon 1 of the NRXN1 gene, results from a T to G substitution at nucleotide position 35. The phenylalanine at codon 12 is replaced by cysteine, an amino acid with highly dissimilar properties. This variant was not reported in population based cohorts in the following databases: Database of Single Nucleotide Polymorphisms (dbSNP), NHLBI Exome Sequencing Project (ESP), and 1000 Genomes Project. In the ESP, this variant was not observed in 5725 samples (11450 alleles) with coverage at this position. This nucleotide position is not well conserved in available vertebrate species. This amino acid position is not well conserved in available vertebrate species. In addition, this alteration is predicted to be tolerated by in silico analysis. Since supporting evidence is limited at this time, the clinical significance of this variant remains unclear.

NM_001330078.2(NRXN1):c.35T>G (p.Phe12Cys)

Gene: NRXN1 (neurexin 1; minus strand). Cytogenetic location: 2p16.3.
Variant type: single nucleotide variant.
Coding change: c.35T>G on transcript NM_001330078.2 (MANE Select); coding-DNA position 35, T replaced by G.
Protein change: p.Phe12Cys; replaces phenylalanine 12 with cysteine.
Molecular consequence: missense variant.
Genome position (GRCh38, 1-based): chr2:51,028,239, A>C on the plus strand (T>G on the coding strand, the complement: NRXN1 is on the minus strand). VCF-style: chr2-51028239-A-C. GRCh37 (hg19) VCF-style: chr2-51255377-A-C.
Other names: c.35T>G, p.Phe12Cys (NM_001135659.3, NM_001330077.2, NM_001330079.2 and 15 more transcripts); short protein forms F12C.
Identifiers: ClinVar variation 575996 (VCV000575996.14), dbSNP rs1298445857, ClinGen allele CA346824842.